The following is an entry in ClinVar:

ClinVar aggregate classification (germline): Uncertain significance (1 of 4 stars; one submission).

Allele frequency attached by ClinVar (database versions not stated): ExAC 0.00001; ESP Exome Variant Server 0.00008.

Submission:

Labcorp Genetics (formerly Invitae), Labcorp
Classification: Uncertain significance. Last evaluated: 2022-03-15. Review status: criteria provided, single submitter. Criteria: Invitae Variant Classification Sherloc (09022015). Collection method: clinical testing. Allele origin: germline.
Comment: This sequence change replaces threonine, which is neutral and polar, with isoleucine, which is neutral and non-polar, at codon 170 of the DDX58 protein (p.Thr170Ile). In summary, the available evidence is currently insufficient to determine the role of this variant in disease. Therefore, it has been classified as a Variant of Uncertain Significance. Algorithms developed to predict the effect of missense changes on protein structure and function output the following: SIFT: "Tolerated"; PolyPhen-2: "Benign"; Align-GVGD: "Class C0". The isoleucine amino acid residue is found in multiple mammalian species, which suggests that this missense change does not adversely affect protein function. This variant has not been reported in the literature in individuals affected with DDX58-related conditions. This variant is present in population databases (rs376516048, gnomAD 0.0009%).

NM_014314.4(RIGI):c.509C>T (p.Thr170Ile)

Gene: RIGI (RNA sensor RIG-I; minus strand). Cytogenetic location: 9p21.1.
Variant type: single nucleotide variant.
Coding change: c.509C>T on transcript NM_014314.4 (MANE Select); coding-DNA position 509, C replaced by T.
Protein change: p.Thr170Ile; replaces threonine 170 with isoleucine.
Molecular consequence: missense variant. On other transcripts: intron variant (1).
Genome position (GRCh38, 1-based): chr9:32,492,453, G>A on the plus strand (C>T on the coding strand, the complement: RIGI is on the minus strand). VCF-style: chr9-32492453-G-A. GRCh37 (hg19) VCF-style: chr9-32492451-G-A.
Other names: c.509C>T, p.Thr170Ile (NM_001385907.1, NM_001385909.1); c.68C>T, p.Thr23Ile (NM_001385910.1, NM_001385914.1); c.494C>T, p.Thr165Ile (NM_001385913.1); c.-38-1033C>T (NM_001385912.1); short protein forms T170I, T165I, T23I.
Identifiers: ClinVar variation 2112666 (VCV002112666.4), dbSNP rs376516048, ClinGen allele CA5020060.